The following is an entry in ClinVar:

NM_000929.3(PLA2G5):c.362A>T (p.Asn121Ile)

Gene: PLA2G5 (phospholipase A2 group V; plus strand). Cytogenetic location: 1p36.13.
Variant type: single nucleotide variant.
Coding change: c.362A>T on transcript NM_000929.3 (MANE Select); coding-DNA position 362, A replaced by T.
Protein change: p.Asn121Ile; replaces asparagine 121 with isoleucine.
Molecular consequence: missense variant.
Genome position (GRCh38, 1-based): chr1:20,090,637, A>T. VCF-style: chr1-20090637-A-T. GRCh37 (hg19) VCF-style: chr1-20417130-A-T.
Other names: short protein forms N121I.
Identifiers: ClinVar variation 3681417 (VCV003681417.2).

ClinVar aggregate classification (germline): Uncertain significance (1 of 4 stars; one submission).

gnomAD v4.1: 1 of 1,613,774 alleles (0.000062%); highest among the groups gnomAD compares: Admixed American, 0.0017%; no homozygotes.

Submission:

Labcorp Genetics (formerly Invitae), Labcorp
Classification: Uncertain significance. Last evaluated: 2024-08-30. Review status: criteria provided, single submitter. Criteria: Invitae Variant Classification Sherloc (09022015). Collection method: clinical testing. Allele origin: germline.
Comment: This sequence change replaces asparagine, which is neutral and polar, with isoleucine, which is neutral and non-polar, at codon 121 of the PLA2G5 protein (p.Asn121Ile). This variant is present in population databases (rs748054358, gnomAD 0.003%). This variant has not been reported in the literature in individuals affected with PLA2G5-related conditions. An algorithm developed to predict the effect of missense changes on protein structure and function (PolyPhen-2) suggests that this variant is likely to be disruptive. In summary, the available evidence is currently insufficient to determine the role of this variant in disease. Therefore, it has been classified as a Variant of Uncertain Significance.